The following is an entry in ClinVar:

NM_001371727.1(GABRB2):c.904G>A (p.Val302Met)

Gene: GABRB2 (gamma-aminobutyric acid type A receptor subunit beta2; minus strand). Cytogenetic location: 5q34.
Variant type: single nucleotide variant.
Coding change: c.904G>A on transcript NM_001371727.1 (MANE Select); coding-DNA position 904, G replaced by A.
Protein change: p.Val302Met; replaces valine 302 with methionine.
Molecular consequence: missense variant.
Genome position (GRCh38, 1-based): chr5:161,331,056, C>T on the plus strand (G>A on the coding strand, the complement: GABRB2 is on the minus strand). VCF-style: chr5-161331056-C-T. GRCh37 (hg19) VCF-style: chr5-160758063-C-T.
Other names: c.904G>A, p.Val302Met (NM_000813.3, NM_021911.3); short protein forms V302M.
Identifiers: ClinVar variation 427157 (VCV000427157.4), dbSNP rs1085307993, ClinGen allele CA362175375.

ClinVar aggregate classification (germline): Pathogenic/Likely pathogenic. Review status: criteria provided, multiple submitters, no conflicts (2 of 4 stars). 2 submissions from 2 submitters: Pathogenic (1); Likely pathogenic (1). Last evaluated 2018-07-31.

Conditions:
Developmental and epileptic encephalopathy 92. Also called: EPILEPTIC ENCEPHALOPATHY, INFANTILE OR EARLY CHILDHOOD, 2. Identifiers: MedGen C4693362, MONDO:0020631, OMIM 617829.

Submissions (2):

GeneDx
Classification: Pathogenic. Last evaluated: 2018-07-31. Review status: criteria provided, single submitter. Criteria: GeneDx Variant Classification (06012015). Collection method: clinical testing. Allele origin: germline. Affected: yes.
Comment: The V302M variant in the GABRB2 gene has not been reported previously as a pathogenic variant nor as a benign variant, to our knowledge. The V302M variant is not observed in large population cohorts (Lek et al., 2016). The V302M variant is a conservative amino acid substitution, which is not likely to impact secondary protein structure as these residues share similar properties. In-silico analyses, including protein predictors and evolutionary conservation, support a deleterious effect. Missense variants in nearby residues (K303R, A304V) have been reported in the Human Gene Mutation Database in association with GABRB2-related disorder (Stenson et al., 2014), supporting the functional importance of this region of the protein. We interpret V302M as a pathogenic variant.

Undiagnosed Diseases Network, NIH
Classification: Likely pathogenic for Developmental and epileptic encephalopathy 92. Last evaluated: 2018-03-17. Review status: criteria provided, single submitter. Criteria: ACMG Guidelines, 2015. Collection method: clinical testing. Allele origin: de novo. Inheritance: Autosomal dominant inheritance. Affected: yes. Observed: 1 variant allele, 1 heterozygote. Study: Undiagnosed Diseases Network (NIH), UDN.